The following is an entry in ClinVar:

NM_001005338.2(OR5H1):c.300G>A (p.Gln100=)

Gene: OR5H1 (olfactory receptor family 5 subfamily H member 1; plus strand). Cytogenetic location: 3q11.2.
Variant type: single nucleotide variant.
Coding change: c.300G>A on transcript NM_001005338.2 (MANE Select); coding-DNA position 300, G replaced by A.
Protein change: p.Gln100=; no amino-acid change (glutamine 100 retained).
Molecular consequence: synonymous variant.
Genome position (GRCh38, 1-based): chr3:98,132,997, G>A. VCF-style: chr3-98132997-G-A. GRCh37 (hg19) VCF-style: chr3-97851841-G-A.
Identifiers: ClinVar variation 4534851 (VCV004534851.6).
Genomic context (GRCh38, chr3:98,132,997, plus strand): 5'-GATGCTGAATAACTTCTTAGCTAAGAGTAAGATGATATCTCTCTCTGAATGCAAGATACA[G>A]TTTTTTTCGTTTGCAATCAGTGTAACCACGGAATGTTTTCTCTTGGCAACGATGGCATAT-3'
Protein context (NP_001005338.1, residues 90-110): KMISLSECKI[Gln100=]FFSFAISVTT

ClinVar aggregate classification (germline): Likely benign (1 of 4 stars; one submission).

Submission:

CeGaT Center for Human Genetics Tuebingen
Classification: Likely benign. Last evaluated: 2025-10-01. Review status: criteria provided, single submitter. Criteria: CeGaT Center For Human Genetics Tuebingen Variant Classification Criteria Version 2. Collection method: clinical testing. Allele origin: germline. Affected: yes. Observed: 1 variant allele.
Comment: OR5H1: BP4, BP7